The following is an entry in ClinVar:

NM_032447.5(FBN3):c.6550A>G (p.Thr2184Ala)

Gene: FBN3 (fibrillin 3; minus strand). Cytogenetic location: 19p13.2.
Variant type: single nucleotide variant.
Coding change: c.6550A>G on transcript NM_032447.5 (MANE Select); coding-DNA position 6550, A replaced by G.
Protein change: p.Thr2184Ala; replaces threonine 2184 with alanine.
Molecular consequence: missense variant.
Genome position (GRCh38, 1-based): chr19:8,087,894, T>C on the plus strand (A>G on the coding strand, the complement: FBN3 is on the minus strand). VCF-style: chr19-8087894-T-C. GRCh37 (hg19) VCF-style: chr19-8152778-T-C.
Other names: c.6550A>G, p.Thr2184Ala (NM_001321431.2); c.6550A>G (NM_032447.3); short protein forms T2184A.
Identifiers: ClinVar variation 2162704 (VCV002162704.5), dbSNP rs540022951, ClinGen allele CA9151235.

ClinVar aggregate classification (germline): Uncertain significance. Review status: criteria provided, multiple submitters, no conflicts (2 of 4 stars). 2 submissions from 2 submitters: Uncertain significance (2). Last evaluated 2026-02-01.

Allele frequency attached by ClinVar (database versions not stated): gnomAD exomes 0.00002; TOPMed 0.00002; gnomAD 0.00003; ExAC 0.00010; 1000 Genomes Project 30x 0.00016; 1000 Genomes Project 0.00020.
gnomAD v4.1: 31 of 1,614,004 alleles (0.0019%); highest among the groups gnomAD compares: East Asian, 0.067%; no homozygotes.

Submissions (2):

Labcorp Genetics (formerly Invitae), Labcorp
Classification: Uncertain significance. Last evaluated: 2026-02-01. Review status: criteria provided, single submitter. Criteria: Invitae Variant Classification Sherloc (09022015). Collection method: clinical testing. Allele origin: germline.
Comment: This sequence change replaces threonine, which is neutral and polar, with alanine, which is neutral and non-polar, at codon 2184 of the FBN3 protein (p.Thr2184Ala). This variant is present in population databases (rs540022951, gnomAD 0.1%), and has an allele count higher than expected for a pathogenic variant. This variant has not been reported in the literature in individuals affected with FBN3-related conditions. ClinVar contains an entry for this variant (Variation ID: 2162704). Invitae Evidence Modeling of protein sequence and biophysical properties (such as structural, functional, and spatial information, amino acid conservation, physicochemical variation, residue mobility, and thermodynamic stability) has been performed for this missense variant. However, the output from this modeling did not meet the statistical confidence thresholds required to predict the impact of this variant on FBN3 protein function. In summary, the available evidence is currently insufficient to determine the role of this variant in disease. Therefore, it has been classified as a Variant of Uncertain Significance.

Ambry Genetics
Classification: Uncertain significance. Last evaluated: 2025-04-11. Review status: criteria provided, single submitter. Criteria: Ambry Variant Classification Scheme 2023. Collection method: clinical testing. Allele origin: germline.